The following is an entry in ClinVar:

ClinVar aggregate classification (germline): Uncertain significance (1 of 4 stars; one submission).

Submission:

Ambry Genetics
Classification: Uncertain significance. Last evaluated: 2024-06-07. Review status: criteria provided, single submitter. Criteria: Ambry Variant Classification Scheme 2023. Collection method: clinical testing. Allele origin: germline.
Comment: The p.G1609V variant (also known as c.4826G>T), located in coding exon 16 of the POLQ gene, results from a G to T substitution at nucleotide position 4826. The glycine at codon 1609 is replaced by valine, an amino acid with dissimilar properties. This amino acid position is conserved. In addition, this alteration is predicted to be tolerated by in silico analysis. Based on the available evidence, the clinical significance of this variant remains unclear.

NM_199420.4(POLQ):c.4826G>T (p.Gly1609Val)

Gene: POLQ (DNA polymerase theta; minus strand). Cytogenetic location: 3q13.33.
Variant type: single nucleotide variant.
Coding change: c.4826G>T on transcript NM_199420.4 (MANE Select); coding-DNA position 4826, G replaced by T.
Protein change: p.Gly1609Val; replaces glycine 1609 with valine.
Molecular consequence: missense variant.
Genome position (GRCh38, 1-based): chr3:121,488,105, C>A on the plus strand (G>T on the coding strand, the complement: POLQ is on the minus strand). VCF-style: chr3-121488105-C-A. GRCh37 (hg19) VCF-style: chr3-121206952-C-A.
Other names: short protein forms G1609V.
Identifiers: ClinVar variation 3308718 (VCV003308718.1).